The following is an entry in ClinVar:

NM_000321.3(RB1):c.2521A>C (p.Thr841Pro)

Gene: RB1 (RB transcriptional corepressor 1; plus strand). Cytogenetic location: 13q14.2.
Variant type: single nucleotide variant.
Coding change: c.2521A>C on transcript NM_000321.3 (MANE Select); coding-DNA position 2521, A replaced by C.
Protein change: p.Thr841Pro; replaces threonine 841 with proline.
Molecular consequence: missense variant. On other transcripts: 5 prime UTR variant (1).
Genome position (GRCh38, 1-based): chr13:48,476,701, A>C. VCF-style: chr13-48476701-A-C. GRCh37 (hg19) VCF-style: chr13-49050837-A-C.
Other names: c.-30A>C (NM_001407168.1); c.2521A>C, p.Thr841Pro (NM_001407165.1); short protein forms T841P.
Identifiers: ClinVar variation 4543803 (VCV004543803.1).

ClinVar aggregate classification (germline): Uncertain significance (1 of 4 stars; one submission).

Conditions:
Hereditary cancer-predisposing syndrome. Also called: Tumor predisposition; Hereditary Cancer Syndrome; Hereditary neoplastic syndrome; Neoplastic Syndromes, Hereditary. Identifiers: Orphanet 140162, MedGen C0027672, MeSH D009386, MONDO:0015356.

Submission:

Ambry Genetics
Classification: Uncertain significance for Hereditary cancer-predisposing syndrome. Last evaluated: 2025-09-25. Review status: criteria provided, single submitter. Criteria: Ambry Variant Classification Scheme 2023. Collection method: clinical testing. Allele origin: germline.
Comment: The p.T841P variant (also known as c.2521A>C) is located in coding exon 25 of the RB1 gene. The threonine at codon 841 is replaced by proline, an amino acid with highly similar properties. This change occurs in the first base pair of coding exon 25. This amino acid position is conserved. In addition, the in silico prediction for this alteration is inconclusive. Based on the available evidence, the clinical significance of this variant remains unclear.